The following is an entry in ClinVar:

ClinVar aggregate classification (germline): Pathogenic/Likely pathogenic. Review status: criteria provided, multiple submitters, no conflicts (2 of 4 stars). 2 submissions from 2 submitters: Pathogenic (1); Likely pathogenic (1). Last evaluated 2026-01-29.

Conditions:
Cardiovascular phenotype. Identifiers: MedGen CN230736.
TBX20-related disorder. Also called: TBX20-related condition.

Submissions (2):

3billion
Classification: Likely pathogenic for TBX20-related disorder. Last evaluated: 2026-01-29. Review status: criteria provided, single submitter. Criteria: ACMG Guidelines, 2015. Collection method: clinical testing. Allele origin: germline. Affected: yes.
Comment: The variant is not observed in the gnomAD v4.1.0 dataset. Predicted Consequence/Location: Stop-gained (nonsense): predicted to result in a loss or disruption of normal protein function through nonsense-mediated decay (NMD) or protein truncation. Multiple pathogenic variants are reported downstream of the variant. Therefore, this variant is classified as Likely pathogenic according to the recommendation of ACMG/AMP guideline.

Ambry Genetics
Classification: Pathogenic for Cardiovascular phenotype. Last evaluated: 2025-12-30. Review status: criteria provided, single submitter. Criteria: Ambry Variant Classification Scheme 2023. Collection method: clinical testing. Allele origin: germline.
Comment: The p.W169* pathogenic mutation (also known as c.506G>A), located in coding exon 3 of the TBX20 gene, results from a G to A substitution at nucleotide position 506. This changes the amino acid from a tryptophan to a stop codon within coding exon 3. This variant is considered to be rare based on population cohorts in the Genome Aggregation Database (gnomAD). This alteration is expected to result in loss of function by premature protein truncation or nonsense-mediated mRNA decay. As such, this alteration is interpreted as a disease-causing mutation.

NM_001077653.2(TBX20):c.506G>A (p.Trp169Ter)

Gene: TBX20 (T-box transcription factor 20; minus strand). Cytogenetic location: 7p14.2.
Variant type: single nucleotide variant.
Coding change: c.506G>A on transcript NM_001077653.2 (MANE Select); coding-DNA position 506, G replaced by A.
Protein change: p.Trp169Ter; replaces tryptophan 169 with a stop codon.
Molecular consequence: nonsense.
Genome position (GRCh38, 1-based): chr7:35,248,716, C>T on the plus strand (G>A on the coding strand, the complement: TBX20 is on the minus strand). VCF-style: chr7-35248716-C-T. GRCh37 (hg19) VCF-style: chr7-35288328-C-T.
Other names: c.506G>A, p.Trp169Ter (NM_001166220.1); short protein forms W169*.
Identifiers: ClinVar variation 4842670 (VCV004842670.2).